The following is an entry in ClinVar:

NM_001174150.2(ARL13B):c.105C>T (p.Thr35=)

Gene: ARL13B (ARF like GTPase 13B; plus strand). Cytogenetic location: 3q11.1.
Variant type: single nucleotide variant.
Coding change: c.105C>T on transcript NM_001174150.2 (MANE Select); coding-DNA position 105, C replaced by T.
Protein change: p.Thr35=; no amino-acid change (threonine 35 retained).
Molecular consequence: synonymous variant. On other transcripts: 5 prime UTR variant (1), non-coding transcript variant (2), intron variant (2).
Genome position (GRCh38, 1-based): chr3:93,995,919, C>T. VCF-style: chr3-93995919-C-T. GRCh37 (hg19) VCF-style: chr3-93714763-C-T.
Other names: c.-63C>T (NM_001321328.2); c.105C>T, p.Thr35= (NM_182896.3); c.-179-7740C>T (NM_001174151.2); c.59+15437C>T (NM_144996.4).
Identifiers: ClinVar variation 128453 (VCV000128453.31), dbSNP rs146396078, ClinGen allele CA151907.

ClinVar aggregate classification (germline): Benign/Likely benign. Review status: criteria provided, multiple submitters, no conflicts (2 of 4 stars). 8 submissions from 8 submitters: Benign (5); Likely benign (3). Last evaluated 2026-08-01.

Conditions:
Joubert syndrome 8 (JBTS8). Identifiers: Orphanet 475, MedGen C2676771, MONDO:0012855, OMIM 612291.

Allele frequency attached by ClinVar (database versions not stated): 1000 Genomes Project 0.00579; 1000 Genomes Project 30x 0.00671; gnomAD 0.00691 and 0.00721; ExAC 0.00761; TOPMed 0.00785; gnomAD exomes 0.00796; ESP Exome Variant Server 0.00861.

Submissions (8):

CeGaT Center for Human Genetics Tuebingen
Classification: Benign. Last evaluated: 2026-08-01. Review status: criteria provided, single submitter. Criteria: CeGaT Center For Human Genetics Tuebingen Variant Classification Criteria Version 2. Collection method: clinical testing. Allele origin: germline. Affected: yes. Observed: 12 variant alleles.
Comment: ARL13B: BP4, BP7, BS1, BS2

Labcorp Genetics (formerly Invitae), Labcorp
Classification: Benign for Joubert syndrome 8. Last evaluated: 2026-01-31. Review status: criteria provided, single submitter. Criteria: Invitae Variant Classification Sherloc (09022015). Collection method: clinical testing. Allele origin: germline.

Clinical Genetics DNA and cytogenetics Diagnostics Lab, Erasmus MC, Erasmus Medical Center
Classification: Likely benign for Joubert syndrome 8. Last evaluated: 2017-06-28. Review status: criteria provided, single submitter. Criteria: ACGS Guidelines, 2013. Collection method: clinical testing. Allele origin: germline. Affected: yes. Study: VKGL Data-share Consensus.

GeneDx
Classification: Benign. Last evaluated: 2016-05-06. Review status: criteria provided, single submitter. Criteria: GeneDx Variant Classification (06012015). Collection method: clinical testing. Allele origin: germline. Affected: yes.
Comment: This variant is considered likely benign or benign based on one or more of the following criteria: it is a conservative change, it occurs at a poorly conserved position in the protein, it is predicted to be benign by multiple in silico algorithms, and/or has population frequency not consistent with disease.

Genetic Services Laboratory, University of Chicago
Classification: Benign. Last evaluated: 2015-05-29. Review status: criteria provided, single submitter. Criteria: ACMG Guidelines, 2015. Collection method: clinical testing. Allele origin: germline.

Genome Diagnostics Laboratory, University Medical Center Utrecht
Classification: Benign for Joubert syndrome 8. Last evaluated: 2014-12-01. Review status: criteria provided, single submitter. Criteria: ACGS Guidelines, 2013. Collection method: clinical testing. Allele origin: germline. Affected: yes. Study: VKGL Data-share Consensus.

Breakthrough Genomics
Classification: Likely benign. Review status: criteria provided, single submitter. Criteria: ACMG Guidelines, 2015. Collection method: not provided. Allele origin: germline. Inheritance: Autosomal recessive inheritance. Affected: yes.

PreventionGenetics, part of Exact Sciences
Classification: Likely benign. Review status: criteria provided, single submitter. Criteria: ACMG Guidelines, 2015. Collection method: clinical testing. Allele origin: germline.